The following is an entry in ClinVar:

NM_004429.5(EFNB1):c.517C>A (p.Pro173Thr)

Gene: EFNB1 (ephrin B1; plus strand). Cytogenetic location: Xq13.1.
Variant type: single nucleotide variant.
Coding change: c.517C>A on transcript NM_004429.5 (MANE Select); coding-DNA position 517, C replaced by A.
Protein change: p.Pro173Thr; replaces proline 173 with threonine.
Molecular consequence: missense variant.
Genome position (GRCh38, 1-based): chrX:68,839,977, C>A. VCF-style: chrX-68839977-C-A. GRCh37 (hg19) VCF-style: chrX-68059820-C-A.
Other names: short protein forms P173T.
Identifiers: ClinVar variation 4885507 (VCV004885507.2).

ClinVar aggregate classification (germline): Uncertain significance (1 of 4 stars; one submission).

Submission:

Dasa
Classification: Uncertain significance. Last evaluated: 2025-06-17. Review status: criteria provided, single submitter. Criteria: DASA Assertion Criteria. Collection method: clinical testing. Allele origin: germline.
Comment: NM_004429.5(EFNB1):c.517C>A (p.Pro173Thr) is a missense variant that results in the substitution of proline with threonine. This variant is absent from population databases. Computational prediction algorithms are consistent with a benign effect. The currently available literature and clinical evidence are not sufficient to establish a definitive association between this variant and the reported condition. Therefore, this variant is classified as a variant of uncertain significance.